The following is an entry in ClinVar:

ClinVar aggregate classification (germline): Pathogenic. Review status: criteria provided, multiple submitters, no conflicts (2 of 4 stars). 5 submissions from 5 submitters: Pathogenic (3). 2 of the submissions do not count toward it. Last evaluated 2026-03-13.

Conditions:
SP110-related disorder. Also called: SP110-related condition.
Hepatic veno-occlusive disease-immunodeficiency syndrome. Also called: Hepatic Veno-Occlusive Disease with Immunodeficiency. Identifiers: Orphanet 79124, MedGen C1856128, MONDO:0009338, OMIM 235550. Disease mechanism: loss of function.

Submissions (5):

Victorian Clinical Genetics Services, Murdoch Childrens Research Institute
Classification: Pathogenic for Hepatic veno-occlusive disease-immunodeficiency syndrome. Last evaluated: 2026-03-13. Review status: criteria provided, single submitter. Criteria: ACMG Guidelines, 2015. Collection method: clinical testing. Allele origin: germline.
Comment: This variant is classified as Pathogenic. Evidence in support of pathogenic classification: Variant is predicted to cause nonsense-mediated decay (NMD) and loss of protein (premature termination codon is located at least 54 nucleotides upstream of the final exon-exon junction); Variant is present in gnomAD <0.01 for a recessive condition (v4: 1 heterozygote(s), 0 homozygote(s)); This variant has strong previous evidence of pathogenicity in unrelated individuals. This variant has been classified as pathogenic by a clinical laboratory in ClinVar. It has also been reported in multiple unrelated homozygous individuals with hepatic venoocclusive disease with immunodeficiency, and is described as a founder mutation in the Lebanese population (PMID: 32888943, 28825155, 16648851); Other NMD-predicted variant(s) comparable to the one identified in this case have very strong previous evidence for pathogenicity (DECIPHER). Additional information: This gene is associated with autosomal recessive disease; Loss of function is a known mechanism of disease in this gene and is associated with hepatic venoocclusive disease with immunodeficiency (MIM#235550).

Labcorp Genetics (formerly Invitae), Labcorp
Classification: Pathogenic for Hepatic veno-occlusive disease-immunodeficiency syndrome. Last evaluated: 2025-12-20. Review status: criteria provided, single submitter. Criteria: Invitae Variant Classification Sherloc (09022015). Collection method: clinical testing. Allele origin: germline.
Comment: This sequence change creates a premature translational stop signal (p.Ser215Alafs*14) in the SP110 gene. It is expected to result in an absent or disrupted protein product. Loss-of-function variants in SP110 are known to be pathogenic (PMID: 16648851, 22621957). This variant is present in population databases (rs397515361, gnomAD 0.0009%). This premature translational stop signal has been observed in individual(s) with clinical features of hepatic veno-occlusive disease with immunodeficiency (PMID: 16648851, 17510920, 32888943). This variant is also known as 642delC, (P214PfsX15). ClinVar contains an entry for this variant (Variation ID: 5537). For these reasons, this variant has been classified as Pathogenic.

Blueprint Genetics
Classification: Pathogenic for SP110-related disorders. Last evaluated: 2024-04-05. Review status: criteria provided, single submitter. Criteria: ACMG Guidelines, 2015. Collection method: clinical testing. Allele origin: germline. Affected: yes. Observed: 1 variant allele.

OMIM
Classification: Pathogenic for HEPATIC VENOOCCLUSIVE DISEASE WITH IMMUNODEFICIENCY. Last evaluated: 2006-06-01. Review status: no assertion criteria provided. Collection method: literature only. Allele origin: germline. Not counted in ClinVar's aggregate classification.

GeneReviews
No classification provided. Condition: Hepatic veno-occlusive disease-immunodeficiency syndrome. Review status: no classification provided. Collection method: literature only. Allele origin: unknown. Not counted in ClinVar's aggregate classification.

Literature cited by the submitters: PubMed 16648851 (cited by 4 submitters); PubMed 28825155 (cited by Victorian Clinical Genetics Services, Murdoch Childrens Research Institute); PubMed 32888943 (cited by Victorian Clinical Genetics Services, Murdoch Childrens Research Institute and Labcorp Genetics (formerly Invitae), Labcorp); PubMed 22621957 (cited by Labcorp Genetics (formerly Invitae), Labcorp); PubMed 17510920 (cited by Labcorp Genetics (formerly Invitae), Labcorp); PubMed 20301448 (cited by GeneReviews); NCBI Bookshelf NBK1271 (cited by GeneReviews).

NM_080424.4(SP110):c.642del (p.Ser215fs)

Genes: SP110 (SP110 nuclear body protein; minus strand), SP140 (SP140 nuclear body protein; plus strand). Cytogenetic location: 2q37.1.
Variant type: Deletion.
Coding change: c.642del on transcript NM_080424.4 (MANE Select); coding-DNA position 642, one base deleted (C; older notation c.642delC).
Protein change: p.Ser215fs; shifts the reading frame from serine 215.
Molecular consequence: frameshift variant.
Genome position (GRCh38, 1-based): chr2:230,212,372, G deleted on the plus strand (C on the coding strand, the reverse complement: SP110 is on the minus strand); the first of 3 consecutive G bases (chr2:230,212,372-230,212,374); deleting any one gives the same sequence. VCF-style (leftmost placement, unchanged base first): chr2-230212371-TG-T. GRCh37 (hg19) VCF-style: chr2-231077086-TG-T.
Other names: c.642delC (NM_080424.2); c.660del, p.Ser221fs (NM_001185015.2, NM_001378442.1, NM_001378444.1 and 2 more transcripts); c.642del, p.Ser215fs (NM_001378443.1, NM_001378447.1, NM_004509.5 and 1 more transcripts); short protein forms S215fs, S221fs.
Identifiers: ClinVar variation 5537 (VCV000005537.10), dbSNP rs397515361, ClinGen allele CA340435.